The following is an entry in ClinVar:

ClinVar aggregate classification (germline): Uncertain significance. Review status: criteria provided, multiple submitters, no conflicts (2 of 4 stars). 4 submissions from 4 submitters: Uncertain significance (4). Last evaluated 2025-06-12.

Conditions:
Hereditary cancer-predisposing syndrome. Also called: Tumor predisposition; Hereditary Cancer Syndrome; Neoplastic Syndromes, Hereditary; Hereditary neoplastic syndrome. Identifiers: Orphanet 140162, MedGen C0027672, MeSH D009386, MONDO:0015356.
Tuberous sclerosis syndrome (TSC). Also called: Tuberous Sclerosis Complex; Tuberous sclerosis. Identifiers: Orphanet 805, MedGen C0041341, MONDO:0001734.
Tuberous sclerosis 2 (TSC2). Identifiers: Orphanet 805, MedGen C1860707, MONDO:0013199, OMIM 613254.

Allele frequency attached by ClinVar (database versions not stated): gnomAD 0.00001; TOPMed 0.00002.
gnomAD v4.1: 10 of 1,613,724 alleles (0.00062%); highest among the groups gnomAD compares: African/African-American, 0.0013%; no homozygotes.

Submissions (4):

Color Diagnostics, LLC DBA Color Health
Classification: Uncertain significance for Tuberous sclerosis syndrome. Last evaluated: 2025-06-12. Review status: criteria provided, single submitter. Criteria: ACMG Guidelines, 2015. Collection method: clinical testing. Allele origin: germline.
Comment: This missense variant replaces arginine with histidine at codon 901 of the TSC2 protein. Computational prediction suggests that this variant may have deleterious impact on protein structure and function. To our knowledge, functional studies have not been reported for this variant. This variant has not been reported in individuals affected with TSC2-related disorders in the literature. This variant has not been identified in the general population by the Genome Aggregation Database (gnomAD). The available evidence is insufficient to determine the role of this variant in disease conclusively. Therefore, this variant is classified as a Variant of Uncertain Significance.

Labcorp Genetics (formerly Invitae), Labcorp
Classification: Uncertain significance for Tuberous sclerosis 2. Last evaluated: 2025-06-04. Review status: criteria provided, single submitter. Criteria: Invitae Variant Classification Sherloc (09022015). Collection method: clinical testing. Allele origin: germline.
Comment: This sequence change replaces arginine, which is basic and polar, with histidine, which is basic and polar, at codon 901 of the TSC2 protein (p.Arg901His). This variant is not present in population databases (gnomAD no frequency). This variant has not been reported in the literature in individuals affected with TSC2-related conditions. ClinVar contains an entry for this variant (Variation ID: 1015778). Invitae Evidence Modeling of protein sequence and biophysical properties (such as structural, functional, and spatial information, amino acid conservation, physicochemical variation, residue mobility, and thermodynamic stability) has been performed for this missense variant. However, the output from this modeling did not meet the statistical confidence thresholds required to predict the impact of this variant on TSC2 protein function. In summary, the available evidence is currently insufficient to determine the role of this variant in disease. Therefore, it has been classified as a Variant of Uncertain Significance.

Ambry Genetics
Classification: Uncertain significance for Hereditary cancer-predisposing syndrome. Last evaluated: 2024-09-30. Review status: criteria provided, single submitter. Criteria: Ambry Variant Classification Scheme 2023. Collection method: clinical testing. Allele origin: germline.
Comment: The p.R901H variant (also known as c.2702G>A), located in coding exon 23 of the TSC2 gene, results from a G to A substitution at nucleotide position 2702. The arginine at codon 901 is replaced by histidine, an amino acid with highly similar properties. This amino acid position is conserved. In addition, this alteration is predicted to be deleterious by in silico analysis. Based on the available evidence, the clinical significance of this variant remains unclear.

GeneDx
Classification: Uncertain significance. Last evaluated: 2024-04-09. Review status: criteria provided, single submitter. Criteria: GeneDx Variant Classification Process June 2021. Collection method: clinical testing. Allele origin: germline. Affected: yes.
Comment: Not observed at significant frequency in large population cohorts (gnomAD); In silico analysis supports that this missense variant has a deleterious effect on protein structure/function; Has not been previously published as pathogenic or benign to our knowledge

NM_000548.5(TSC2):c.2702G>A (p.Arg901His)

Gene: TSC2 (TSC complex subunit 2; plus strand). Cytogenetic location: 16p13.3.
Variant type: single nucleotide variant.
Coding change: c.2702G>A on transcript NM_000548.5 (MANE Select); coding-DNA position 2702, G replaced by A.
Protein change: p.Arg901His; replaces arginine 901 with histidine.
Molecular consequence: missense variant.
Genome position (GRCh38, 1-based): chr16:2,076,130, G>A. VCF-style: chr16-2076130-G-A. GRCh37 (hg19) VCF-style: chr16-2126131-G-A.
Other names: c.2702G>A, p.Arg901His (NM_001370405.1, NM_021055.3, NM_001077183.3 and 3 more transcripts); c.2591G>A, p.Arg864His (NM_001318827.2); c.2555G>A, p.Arg852His (NM_001318829.2); c.2102G>A, p.Arg701His (NM_001318831.2); c.2735G>A, p.Arg912His (NM_001318832.2); short protein forms R701H, R852H, R864H, R901H, R912H.
Identifiers: ClinVar variation 1015778 (VCV001015778.13), dbSNP rs1273957629, ClinGen allele CA394279440.